The following is an entry in ClinVar:

NM_000124.4(ERCC6):c.1204T>C (p.Tyr402His)

Genes: ERCC6 (ERCC excision repair 6, chromatin remodeling factor; minus strand), PGBD3 (piggyBac transposable element derived 3; minus strand). Cytogenetic location: 10q11.23.
Variant type: single nucleotide variant.
Coding change: c.1204T>C on transcript NM_000124.4 (MANE Select); coding-DNA position 1204, T replaced by C.
Protein change: p.Tyr402His; replaces tyrosine 402 with histidine.
Molecular consequence: missense variant. On other transcripts: 5 prime UTR variant (1).
Genome position (GRCh38, 1-based): chr10:49,524,226, A>G on the plus strand (T>C on the coding strand, the complement: ERCC6 is on the minus strand). VCF-style: chr10-49524226-A-G. GRCh37 (hg19) VCF-style: chr10-50732272-A-G.
Other names: c.1204T>C, p.Tyr402His (NM_001277058.2, NM_001277059.2, NM_001346440.2); c.-201T>C (NM_170753.3); short protein forms Y402H.
Identifiers: ClinVar variation 2038711 (VCV002038711.3), dbSNP rs773498737, ClinGen allele CA5496367.

ClinVar aggregate classification (germline): Uncertain significance (1 of 4 stars; one submission).

Allele frequency attached by ClinVar (database versions not stated): gnomAD 0.00001; TOPMed 0.00002; ExAC 0.00002; gnomAD exomes 0.00003.
gnomAD v4.1: 43 of 1,613,948 alleles (0.0027%); highest among the groups gnomAD compares: Non-Finnish European, 0.0036%; no homozygotes.

Submission:

Labcorp Genetics (formerly Invitae), Labcorp
Classification: Uncertain significance. Last evaluated: 2024-11-11. Review status: criteria provided, single submitter. Criteria: Invitae Variant Classification Sherloc (09022015). Collection method: clinical testing. Allele origin: germline.
Comment: This sequence change replaces tyrosine, which is neutral and polar, with histidine, which is basic and polar, at codon 402 of the ERCC6 protein (p.Tyr402His). The frequency data for this variant in the population databases is considered unreliable, as metrics indicate poor data quality at this position in the gnomAD database. This variant has not been reported in the literature in individuals affected with ERCC6-related conditions. ClinVar contains an entry for this variant (Variation ID: 2038711). Invitae Evidence Modeling of protein sequence and biophysical properties (such as structural, functional, and spatial information, amino acid conservation, physicochemical variation, residue mobility, and thermodynamic stability) indicates that this missense variant is not expected to disrupt ERCC6 protein function with a negative predictive value of 95%. In summary, the available evidence is currently insufficient to determine the role of this variant in disease. Therefore, it has been classified as a Variant of Uncertain Significance.